The following is an entry in ClinVar:

ClinVar aggregate classification (germline): Benign/Likely benign. Review status: criteria provided, multiple submitters, no conflicts (2 of 4 stars). 10 submissions from 10 submitters: Benign (5); Likely benign (2). 3 of the submissions do not count toward it. Last evaluated 2026-09-01.

Conditions:
Inborn genetic diseases. Identifiers: MedGen C0950123, MeSH D030342.
SCN11A-related disorder. Also called: SCN11A-related condition.
Hereditary sensory and autonomic neuropathy type 7. Also called: Neuropathy, hereditary sensory and autonomic, type VII; HSAN VII. Identifiers: Orphanet 391397, MedGen C3809882, MONDO:0014244, OMIM 615548.
Familial episodic pain syndrome with predominantly lower limb involvement. Also called: Episodic pain syndrome, familial, 3. Identifiers: Orphanet 391384, Orphanet 391392, MedGen C3809899, MONDO:0014247, OMIM 615552.

Allele frequency attached by ClinVar (database versions not stated): 1000 Genomes Project 0.00180; 1000 Genomes Project 30x 0.00219; TOPMed 0.00639; gnomAD 0.00667 and 0.00741; ESP Exome Variant Server 0.00761; gnomAD exomes 0.00768 and 0.00982; ExAC 0.00821.
gnomAD v4.1: 15,023 of 1,591,266 alleles (0.94%); highest among the groups gnomAD compares: Non-Finnish European, 1.1%; 96 homozygotes.

Submissions (10):

CeGaT Center for Human Genetics Tuebingen
Classification: Benign. Last evaluated: 2026-09-01. Review status: criteria provided, single submitter. Criteria: CeGaT Center For Human Genetics Tuebingen Variant Classification Criteria Version 2. Collection method: clinical testing. Allele origin: germline. Affected: yes. Observed: 35 variant alleles.
Comment: SCN11A: BP4, BP7, BS1, BS2

Labcorp Genetics (formerly Invitae), Labcorp
Classification: Benign for Familial episodic pain syndrome with predominantly lower limb involvement; Hereditary sensory and autonomic neuropathy type 7. Last evaluated: 2026-02-03. Review status: criteria provided, single submitter. Criteria: Invitae Variant Classification Sherloc (09022015). Collection method: clinical testing. Allele origin: germline.

Fulgent Genetics
Classification: Likely benign for Hereditary sensory and autonomic neuropathy type 7; Familial episodic pain syndrome with predominantly lower limb involvement. Last evaluated: 2021-08-10. Review status: criteria provided, single submitter. Criteria: ACMG Guidelines, 2015. Collection method: clinical testing. Allele origin: unknown.

Mayo Clinic Laboratories, Mayo Clinic
Classification: Benign. Last evaluated: 2019-10-18. Review status: criteria provided, single submitter. Criteria: ACMG Guidelines, 2015. Collection method: clinical testing. Allele origin: germline. Observed: 20 variant alleles.

GeneDx
Classification: Benign. Last evaluated: 2019-09-12. Review status: criteria provided, single submitter. Criteria: GeneDx Variant Classification Process June 2021. Collection method: clinical testing. Allele origin: germline. Affected: yes.

Ambry Genetics
Classification: Likely benign for Inborn genetic diseases. Last evaluated: 2019-07-11. Review status: criteria provided, single submitter. Criteria: Ambry Variant Classification Scheme 2023. Collection method: clinical testing. Allele origin: germline.

Breakthrough Genomics
Classification: Benign. Review status: criteria provided, single submitter. Criteria: ACMG Guidelines, 2015. Collection method: not provided. Allele origin: germline. Inheritance: Autosomal dominant inheritance. Affected: yes.

PreventionGenetics, part of Exact Sciences
Classification: Benign for SCN11A-related condition. Last evaluated: 2020-01-23. Review status: no assertion criteria provided. Collection method: clinical testing. Allele origin: germline. Not counted in ClinVar's aggregate classification.
Comment: This variant is classified as benign based on ACMG/AMP sequence variant interpretation guidelines (Richards et al. 2015 PMID: 25741868, with internal and published modifications).

Clinical Genetics, Academic Medical Center
Classification: Benign. Review status: no assertion criteria provided. Collection method: clinical testing. Allele origin: germline. Affected: yes. Study: VKGL Data-share Consensus. Not counted in ClinVar's aggregate classification.

Joint Genome Diagnostic Labs from Nijmegen and Maastricht, Radboudumc and MUMC+
Classification: Benign. Review status: no assertion criteria provided. Collection method: clinical testing. Allele origin: germline. Affected: yes. Study: VKGL Data-share Consensus. Not counted in ClinVar's aggregate classification.

NM_001349253.2(SCN11A):c.3819A>G (p.Glu1273=)

Gene: SCN11A (sodium voltage-gated channel alpha subunit 11; minus strand). Cytogenetic location: 3p22.2.
Variant type: single nucleotide variant.
Coding change: c.3819A>G on transcript NM_001349253.2 (MANE Select); coding-DNA position 3819, A replaced by G.
Protein change: p.Glu1273=; no amino-acid change (glutamic acid 1273 retained).
Molecular consequence: synonymous variant.
Genome position (GRCh38, 1-based): chr3:38,867,453, T>C on the plus strand (A>G on the coding strand, the complement: SCN11A is on the minus strand). VCF-style: chr3-38867453-T-C. GRCh37 (hg19) VCF-style: chr3-38908944-T-C.
Other names: p.Glu1273=; c.3819A>G, p.Glu1273= (NM_014139.3).
Identifiers: ClinVar variation 474723 (VCV000474723.51), dbSNP rs148945365, ClinGen allele CA2321681.